The following is an entry in ClinVar:

NM_005876.5(SPEG):c.6476G>A (p.Arg2159His)

Genes: ASIC4-AS1 (ASIC4 antisense RNA 1; minus strand), SPEG (striated muscle enriched protein kinase; plus strand). Cytogenetic location: 2q35.
Variant type: single nucleotide variant.
Coding change: c.6476G>A on transcript NM_005876.5 (MANE Select); coding-DNA position 6476, G replaced by A.
Protein change: p.Arg2159His; replaces arginine 2159 with histidine.
Molecular consequence: missense variant.
Genome position (GRCh38, 1-based): chr2:219,483,939, G>A. VCF-style: chr2-219483939-G-A. GRCh37 (hg19) VCF-style: chr2-220348661-G-A.
Other names: c.6476G>A (NM_005876.4); short protein forms R2159H.
Identifiers: ClinVar variation 1904833 (VCV001904833.6), dbSNP rs764125788, ClinGen allele CA2127041.

ClinVar aggregate classification (germline): Uncertain significance. Review status: criteria provided, multiple submitters, no conflicts (2 of 4 stars). 2 submissions from 2 submitters: Uncertain significance (2). Last evaluated 2025-08-21.

Conditions:
Inborn genetic diseases. Identifiers: MedGen C0950123, MeSH D030342.

Allele frequency attached by ClinVar (database versions not stated): ExAC 0.00001.
gnomAD v4.1: 3 of 1,605,454 alleles (0.00019%); highest among the groups gnomAD compares: Middle Eastern, 0.016%; no homozygotes.

Submissions (2):

Ambry Genetics
Classification: Uncertain significance for Inborn genetic diseases. Last evaluated: 2025-08-21. Review status: criteria provided, single submitter. Criteria: Ambry Variant Classification Scheme 2023. Collection method: clinical testing. Allele origin: germline.

Labcorp Genetics (formerly Invitae), Labcorp
Classification: Uncertain significance. Last evaluated: 2023-08-10. Review status: criteria provided, single submitter. Criteria: Invitae Variant Classification Sherloc (09022015). Collection method: clinical testing. Allele origin: germline.
Comment: In summary, the available evidence is currently insufficient to determine the role of this variant in disease. Therefore, it has been classified as a Variant of Uncertain Significance. Algorithms developed to predict the effect of missense changes on protein structure and function output the following: SIFT: "Not Available"; PolyPhen-2: "Benign"; Align-GVGD: "Not Available". The histidine amino acid residue is found in multiple mammalian species, which suggests that this missense change does not adversely affect protein function. ClinVar contains an entry for this variant (Variation ID: 1904833). This variant has not been reported in the literature in individuals affected with SPEG-related conditions. The frequency data for this variant in the population databases is considered unreliable, as metrics indicate poor data quality at this position in the gnomAD database. This sequence change replaces arginine, which is basic and polar, with histidine, which is basic and polar, at codon 2159 of the SPEG protein (p.Arg2159His).